The following is an entry in ClinVar:

ClinVar aggregate classification (germline): Uncertain significance (1 of 4 stars; one submission).

Conditions:
Hereditary cancer-predisposing syndrome. Also called: Tumor predisposition; Hereditary Cancer Syndrome; Hereditary neoplastic syndrome; Neoplastic Syndromes, Hereditary. Identifiers: Orphanet 140162, MedGen C0027672, MeSH D009386, MONDO:0015356.

Submission:

Ambry Genetics
Classification: Uncertain significance for Hereditary cancer-predisposing syndrome. Last evaluated: 2024-03-16. Review status: criteria provided, single submitter. Criteria: Ambry Variant Classification Scheme 2023. Collection method: clinical testing. Allele origin: germline.
Comment: The p.L615P variant (also known as c.1844T>C), located in coding exon 13 of the MSH3 gene, results from a T to C substitution at nucleotide position 1844. The leucine at codon 615 is replaced by proline, an amino acid with similar properties. This amino acid position is conserved. In addition, this alteration is predicted to be deleterious by in silico analysis. Based on the available evidence, the clinical significance of this alteration remains unclear.

NM_002439.5(MSH3):c.1844T>C (p.Leu615Pro)

Gene: MSH3 (mutS homolog 3; plus strand). Cytogenetic location: 5q14.1.
Variant type: single nucleotide variant.
Coding change: c.1844T>C on transcript NM_002439.5 (MANE Select); coding-DNA position 1844, T replaced by C.
Protein change: p.Leu615Pro; replaces leucine 615 with proline.
Molecular consequence: missense variant.
Genome position (GRCh38, 1-based): chr5:80,761,626, T>C. VCF-style: chr5-80761626-T-C. GRCh37 (hg19) VCF-style: chr5-80057445-T-C.
Other names: short protein forms L615P.
Identifiers: ClinVar variation 3296258 (VCV003296258.1).